The following is an entry in ClinVar:

ClinVar aggregate classification (germline): Benign. Review status: criteria provided, multiple submitters, no conflicts (2 of 4 stars). 4 submissions from 4 submitters: Benign (4). Last evaluated 2024-11-28.

Conditions:
Neurodevelopmental disorder with microcephaly, cataracts, and renal abnormalities. Identifiers: MedGen C4693567, MONDO:0060664, OMIM 617913.

Allele frequency attached by ClinVar (database versions not stated): gnomAD exomes 0.57900 and 0.62742; ExAC 0.62447; ESP Exome Variant Server 0.65111; gnomAD 0.65979 and 0.66004; TOPMed 0.67224; 1000 Genomes Project 0.70707; 1000 Genomes Project 30x 0.70831.
gnomAD v4.1: 948,423 of 1,613,538 alleles (59%); highest among the groups gnomAD compares: African/African-American, 84%; 283,455 homozygotes.

Submissions (4):

Blueprint Genetics
Classification: Benign. Last evaluated: 2024-11-28. Review status: criteria provided, single submitter. Criteria: ACMG Guidelines, 2015. Collection method: clinical testing. Allele origin: germline.

Genome-Nilou Lab
Classification: Benign for Neurodevelopmental disorder with microcephaly, cataracts, and renal abnormalities. Last evaluated: 2021-07-14. Review status: criteria provided, single submitter. Criteria: ACMG Guidelines, 2015. Collection method: clinical testing. Allele origin: germline. Affected: no.

GeneDx
Classification: Benign. Last evaluated: 2020-11-03. Review status: criteria provided, single submitter. Criteria: GeneDx Variant Classification Process June 2021. Collection method: clinical testing. Allele origin: germline. Affected: yes.
Comment: This variant is associated with the following publications: (PMID: 19047128, 21766210, 20732906, 21118967)

Breakthrough Genomics
Classification: Benign. Review status: criteria provided, single submitter. Criteria: ACMG Guidelines, 2015. Collection method: not provided. Allele origin: germline. Inheritance: Autosomal recessive inheritance. Affected: yes.

NM_015721.3(GEMIN4):c.3097C>T (p.Arg1033Cys)

Gene: GEMIN4 (gem nuclear organelle associated protein 4; minus strand). Cytogenetic location: 17p13.3.
Variant type: single nucleotide variant.
Coding change: c.3097C>T on transcript NM_015721.3 (MANE Select); coding-DNA position 3097, C replaced by T.
Protein change: p.Arg1033Cys; replaces arginine 1033 with cysteine.
Molecular consequence: missense variant.
Genome position (GRCh38, 1-based): chr17:744,946, G>A on the plus strand (C>T on the coding strand, the complement: GEMIN4 is on the minus strand). VCF-style: chr17-744946-G-A. GRCh37 (hg19) VCF-style: chr17-648186-G-A.
Other names: short protein forms R1033C.
Identifiers: ClinVar variation 1182789 (VCV001182789.7), dbSNP rs7813, ClinGen allele CA8262297.